The following is an entry in ClinVar:

ClinVar aggregate classification (germline): Pathogenic (1 of 4 stars; one submission).

Conditions:
Chromosome 16p11.2 duplication syndrome. Identifiers: Orphanet 370079, MedGen C3553407, MONDO:0013847, OMIM 614671.

Submission:

Department of Prenatal Diagnosis, Henan Provincial People’s Hospital
Classification: Pathogenic for Chromosome 16p11.2 duplication syndrome. Last evaluated: 2026-11-25. Review status: criteria provided, single submitter. Criteria: ACMG/ClinGen CNV Guidelines, 2019. Collection method: research. Allele origin: germline, de novo. Affected: no and yes. Observed: 3 variant alleles.
Comment: During the prenatal stage, a 540-kb heterozygous duplication (29640000-30180000) within the 16p11.2 region was identified in three fetuses. Based on the "ACMG/ClinGen CNV Guidelines" (2019, PMID: 31690835), this dupliaction encompasses the triplosensitive genomic region-16p11.2 recurrent region (proximal, BP4-BP5) (includes TBX6)，which satisfies the criteria for Evidence Type 2A and is assigned a score of 1. As a result, the observed copy number duplication in this case achieves a cumulative score of ≥0.99, classifying it as a pathogenic copy number variant.

Single allele

Genes: ALDOA (aldolase, fructose-bisphosphate A; plus strand), ASPHD1 (aspartate beta-hydroxylase domain containing 1; plus strand), C16orf54 (chromosome 16 open reading frame 54; minus strand), CDIPT (CDP-diacylglycerol--inositol 3-phosphatidyltransferase; minus strand), DOC2A (double C2 domain alpha; minus strand) and 21 more. Cytogenetic location: 16p11.2.
Variant type: Duplication.
Identifiers: ClinVar variation 5043561 (VCV005043561.1).